The following is an entry in ClinVar:

ClinVar aggregate classification (germline): Pathogenic. Review status: criteria provided, multiple submitters, no conflicts (2 of 4 stars). 4 submissions from 4 submitters: Pathogenic (4). Last evaluated 2025-06-06.

Conditions:
CYP21A2-related disorder. Also called: CYP21A2-related condition.

Allele frequency attached by ClinVar (database versions not stated): gnomAD 0.00001; ExAC 0.00003; gnomAD exomes 0.00003.
gnomAD v4.1: 25 of 1,586,884 alleles (0.0016%); highest among the groups gnomAD compares: East Asian, 0.0067%; no homozygotes.

Submissions (4):

PreventionGenetics, part of Exact Sciences
Classification: Pathogenic for CYP21A2-related condition. Last evaluated: 2025-06-06. Review status: criteria provided, single submitter. Criteria: ACMG Guidelines, 2015. Collection method: clinical testing. Allele origin: germline.
Comment: The CYP21A2 c.1450C>T variant is predicted to result in the amino acid substitution p.Arg484Trp. Also known as R483W, this variant has been reported to be associated with classic congenital adrenal hyperplasia (CAH) likely due to significantly reduced enzyme activity (see for example, Kharrat et al. 2004. PubMed ID: 14715874; Jiang et al. 2012. PubMed ID: 21750395; Zhao et al. 2012. PubMed ID: 22262854). This variant is reported in 0.0072% of alleles in individuals of African descent in gnomAD. This variant falls within a highly paralogous region. Allele frequency data should be interpreted with caution. This variant is interpreted as pathogenic.

Blueprint Genetics
Classification: Pathogenic for CYP21A2-related disorders. Last evaluated: 2024-08-21. Review status: criteria provided, single submitter. Criteria: ACMG Guidelines, 2015. Collection method: clinical testing. Allele origin: germline. Affected: yes. Observed: 1 variant allele.

Quest Diagnostics Nichols Institute San Juan Capistrano
Classification: Pathogenic. Last evaluated: 2024-01-09. Review status: criteria provided, single submitter. Criteria: Quest Diagnostics criteria. Collection method: clinical testing. Allele origin: unknown.
Comment: The CYP21A2 c.1450C>T (p.Arg484Trp) variant has been reported in the published literature in individuals with classical CAH (PMID: 14715874 (2004)), non-classical CAH (PMID: 16487445 (2006)), salt wasting CAH (PMID: 21570420 (2011)) and simple viralizing CAH (PMID: 21750395 (2012)) due to 21-hydroxylase deficiency. Assessment of experimental evidence suggests this variant results in abnormal protein function (PMID: 21750395 (2012)). Analysis of this variant using bioinformatics tools for the prediction of the effect of amino acid changes on protein structure and function yielded predictions that this variant is damaging. Based on the available information, this variant is classified as pathogenic.

Labcorp Genetics (formerly Invitae), Labcorp
Classification: Pathogenic. Last evaluated: 2022-05-07. Review status: criteria provided, single submitter. Criteria: Invitae Variant Classification Sherloc (09022015). Collection method: clinical testing. Allele origin: germline.
Comment: This sequence change replaces arginine, which is basic and polar, with tryptophan, which is neutral and slightly polar, at codon 484 of the CYP21A2 protein (p.Arg484Trp). The frequency data for this variant in the population databases (gnomAD) is considered unreliable due to the presence of homologous sequence, such as pseudogenes or paralogs, in the genome. This missense change has been observed in individual(s) with classic and/or nonclassic congenital adrenal hyperplasia due to 21-hydroxylase deficiency (PMID: 14715874, 21750395, 23359698, 26804566). In at least one individual the data is consistent with being in trans (on the opposite chromosome) from a pathogenic variant. This variant is also known as R483W. Advanced modeling of protein sequence and biophysical properties (such as structural, functional, and spatial information, amino acid conservation, physicochemical variation, residue mobility, and thermodynamic stability) performed at Invitae indicates that this missense variant is expected to disrupt CYP21A2 protein function. Experimental studies have shown that this missense change affects CYP21A2 function (PMID: 21750395). For these reasons, this variant has been classified as Pathogenic.

Literature cited by the submitters: PubMed 14715874 (cited by Quest Diagnostics Nichols Institute San Juan Capistrano and Labcorp Genetics (formerly Invitae), Labcorp); PubMed 23359706 (cited by Quest Diagnostics Nichols Institute San Juan Capistrano); PubMed 21750395 (cited by Quest Diagnostics Nichols Institute San Juan Capistrano and Labcorp Genetics (formerly Invitae), Labcorp); PubMed 22262854 (cited by Quest Diagnostics Nichols Institute San Juan Capistrano); PubMed 26804566 (cited by Quest Diagnostics Nichols Institute San Juan Capistrano and Labcorp Genetics (formerly Invitae), Labcorp); PubMed 29035424 (cited by Quest Diagnostics Nichols Institute San Juan Capistrano); PubMed 16487445 (cited by Quest Diagnostics Nichols Institute San Juan Capistrano); PubMed 18259657 (cited by Quest Diagnostics Nichols Institute San Juan Capistrano); PubMed 21570420 (cited by Quest Diagnostics Nichols Institute San Juan Capistrano); PubMed 23359698 (cited by Labcorp Genetics (formerly Invitae), Labcorp).

NM_000500.9(CYP21A2):c.1450C>T (p.Arg484Trp)

Genes: CYP21A2 (cytochrome P450 family 21 subfamily A member 2; plus strand), LOC106780800 (CYP21A2 recombination region; plus strand). Cytogenetic location: 6p21.33.
Variant type: single nucleotide variant.
Coding change: c.1450C>T on transcript NM_000500.9 (MANE Select); coding-DNA position 1450, C replaced by T.
Protein change: p.Arg484Trp; replaces arginine 484 with tryptophan.
Molecular consequence: missense variant.
Genome position (GRCh38, 1-based): chr6:32,041,096, C>T. VCF-style: chr6-32041096-C-T. GRCh37 (hg19) VCF-style: chr6-32008873-C-T.
Other names: c.1450C>T (NM_000500.7); c.1360C>T, p.Arg454Trp (NM_001128590.4); c.1045C>T, p.Arg349Trp (NM_001368143.2, NM_001368144.2); short protein forms R484W, R454W, R349W.
Identifiers: ClinVar variation 1455875 (VCV001455875.7), dbSNP rs759736443, ClinGen allele CA3732732.